The following is an entry in ClinVar:

NM_000238.4(KCNH2):c.3104G>A (p.Arg1035Gln)

Gene: KCNH2 (potassium voltage-gated channel subfamily H member 2; minus strand). Cytogenetic location: 7q36.1.
Variant type: single nucleotide variant.
Coding change: c.3104G>A on transcript NM_000238.4 (MANE Select); coding-DNA position 3104, G replaced by A.
Protein change: p.Arg1035Gln; replaces arginine 1035 with glutamine.
Molecular consequence: missense variant.
Genome position (GRCh38, 1-based): chr7:150,947,376, C>T on the plus strand (G>A on the coding strand, the complement: KCNH2 is on the minus strand). VCF-style: chr7-150947376-C-T. GRCh37 (hg19) VCF-style: chr7-150644464-C-T.
Other names: c.2084G>A, p.Arg695Gln (NM_172057.3); short protein forms R695Q, R1035Q.
Identifiers: ClinVar variation 456922 (VCV000456922.21), dbSNP rs761933920, ClinGen allele CA037044.
Genomic context (GRCh38, chr7:150,947,376, plus strand): 5'-GCACTCCCTCACCTGTTGAGCTGGCGCTGGAGGGCATCCAGCCTGCTCTCCACGTCGCCC[C>T]GGGGCCGCCGACCCGGGCTGGAGAGGGGGATGTTGAGGAGGCTGGGGGTGGGGGCGGGGC-3'
Protein context (NP_000229.1, residues 1025-1045): IPLSSPGRRP[Arg1035Gln]GDVESRLDAL

ClinVar aggregate classification (germline): Uncertain significance. Review status: criteria provided, multiple submitters, no conflicts (2 of 4 stars). 5 submissions from 5 submitters: Uncertain significance (5). Last evaluated 2026-08-21.

Conditions:
Long QT syndrome (LQTS). Identifiers: MedGen C0023976, MeSH D008133, MONDO:0002442. Disease mechanism: loss of function. Inheritance: Various modes of inheritance.
Cardiovascular phenotype. Identifiers: MedGen CN230736.
Cardiac arrhythmia. Also called: Arrhythmia; Cardiac rhythm disease. Identifiers: MedGen C0003811, MONDO:0007263, HP:0011675.

Allele frequency attached by ClinVar (database versions not stated): TOPMed 0.00004; gnomAD 0.00003 and 0.00002; ExAC 0.00009; gnomAD exomes 0.00006.
gnomAD v4.1: 64 of 1,536,496 alleles (0.0042%); highest among the groups gnomAD compares: South Asian, 0.0096%; no homozygotes.

Submissions (5):

GeneDx
Classification: Uncertain significance. Last evaluated: 2026-08-21. Review status: criteria provided, single submitter. Criteria: GeneDx Variant Classification Process June 2021. Collection method: clinical testing. Allele origin: germline.
Comment: In silico analysis suggests that this missense variant does not alter protein structure/function; Has not been previously published as pathogenic or benign to our knowledge

Labcorp Genetics (formerly Invitae), Labcorp
Classification: Uncertain significance for Long QT syndrome. Last evaluated: 2024-08-28. Review status: criteria provided, single submitter. Criteria: Invitae Variant Classification Sherloc (09022015). Collection method: clinical testing. Allele origin: germline.
Comment: This sequence change replaces arginine, which is basic and polar, with glutamine, which is neutral and polar, at codon 1035 of the KCNH2 protein (p.Arg1035Gln). This variant is present in population databases (rs761933920, gnomAD 0.009%). This variant has not been reported in the literature in individuals affected with KCNH2-related conditions. ClinVar contains an entry for this variant (Variation ID: 456922). An algorithm developed to predict the effect of missense changes on protein structure and function (PolyPhen-2) suggests that this variant is likely to be disruptive. In summary, the available evidence is currently insufficient to determine the role of this variant in disease. Therefore, it has been classified as a Variant of Uncertain Significance.

All of Us Research Program, National Institutes of Health
Classification: Uncertain significance for Long QT syndrome. Last evaluated: 2024-08-06. Review status: criteria provided, single submitter. Criteria: ACMG Guidelines, 2015. Collection method: clinical testing. Allele origin: germline. Inheritance: Autosomal dominant inheritance. Observed: 18 variant alleles, 18 heterozygotes.
Comment: This missense variant replaces arginine with glutamine at codon 1035 of the KCNH2 protein. Computational prediction is inconclusive regarding the impact of this variant on protein structure and function (internally defined REVEL score threshold 0.5 < inconclusive < 0.7, PMID: 27666373). To our knowledge, functional studies have not been reported for this variant. This variant has not been reported in individuals affected with cardiovascular disorders in the literature. This variant has been identified in 10/176090 chromosomes in the general population by the Genome Aggregation Database (gnomAD). The available evidence is insufficient to determine the role of this variant in disease conclusively. Therefore, this variant is classified as a Variant of Uncertain Significance.

This study involves interpretation of variants in research participants for the purpose of population health screening. Participant phenotype was not available at the time of variant classification. Additional details can be found in publication PMID: 35346344, PMCID: PMC8962531

Color Diagnostics, LLC DBA Color Health
Classification: Uncertain significance for Cardiac arrhythmia. Last evaluated: 2024-03-06. Review status: criteria provided, single submitter. Criteria: ACMG Guidelines, 2015. Collection method: clinical testing. Allele origin: germline.
Comment: This missense variant replaces arginine with glutamine at codon 1035 of the KCNH2 protein. Computational prediction is inconclusive regarding the impact of this variant on protein structure and function (internally defined REVEL score threshold 0.5 < inconclusive < 0.7, PMID: 27666373). To our knowledge, functional studies have not been reported for this variant. This variant has not been reported in individuals affected with KCNH2-related disorders in the literature. This variant has been identified in 10/176090 chromosomes in the general population by the Genome Aggregation Database (gnomAD). The available evidence is insufficient to determine the role of this variant in disease conclusively. Therefore, this variant is classified as a Variant of Uncertain Significance.

Ambry Genetics
Classification: Uncertain significance for Cardiovascular phenotype. Last evaluated: 2023-09-12. Review status: criteria provided, single submitter. Criteria: Ambry Variant Classification Scheme 2023. Collection method: clinical testing. Allele origin: germline.
Comment: The p.R1035Q variant (also known as c.3104G>A), located in coding exon 13 of the KCNH2 gene, results from a G to A substitution at nucleotide position 3104. The arginine at codon 1035 is replaced by glutamine, an amino acid with highly similar properties. This amino acid position is highly conserved in available vertebrate species. In addition, the in silico prediction for this alteration is inconclusive. Since supporting evidence is limited at this time, the clinical significance of this alteration remains unclear.